The following is an entry in ClinVar:

ClinVar aggregate classification (germline): not provided (0 of 4 stars; one submission).

Conditions:
Familial long QT syndrome (RWS). Also called: Congenital long QT syndrome; Romano-Ward syndrome; VENTRICULAR FIBRILLATION WITH PROLONGED QT INTERVAL. Identifiers: Orphanet 768, MedGen C1141890, MONDO:0019171.

Submission:

Cardiovascular Biomedical Research Unit, Royal Brompton & Harefield NHS Foundation Trust
No classification provided. Condition: Familial long QT syndrome. Review status: no classification provided. Collection method: literature only. Allele origin: germline.
Comment: This variant has been reported as associated with Long QT syndrome in the following publications (PMID:16414944). This is a literature report, and does not necessarily reflect the clinical interpretation of the Imperial College / Royal Brompton Cardiovascular Genetics laboratory.

Literature cited by the submitters: PubMed 16414944; PubMed 22581653.

NM_000238.4(KCNH2):c.1277C>A (p.Pro426His)

Gene: KCNH2 (potassium voltage-gated channel subfamily H member 2; minus strand). Cytogenetic location: 7q36.1.
Variant type: single nucleotide variant.
Coding change: c.1277C>A on transcript NM_000238.4 (MANE Select); coding-DNA position 1277, C replaced by A.
Protein change: p.Pro426His; replaces proline 426 with histidine.
Molecular consequence: missense variant.
Genome position (GRCh38, 1-based): chr7:150,952,705, G>T on the plus strand (C>A on the coding strand, the complement: KCNH2 is on the minus strand). VCF-style: chr7-150952705-G-T. GRCh37 (hg19) VCF-style: chr7-150649793-G-T.
Other names: c.1277C>A (LRG_288t1); c.257C>A, p.Pro86His (NM_001204798.2, NM_172057.3); c.989C>A, p.Pro330His (NM_001406753.1, NM_001406756.1); c.1100C>A, p.Pro367His (NM_001406755.1); c.977C>A, p.Pro326His (NM_001406757.1); c.1277C>A, p.Pro426His (NM_172056.3); short protein forms P426H, P86H, P326H, P330H, P367H.
Identifiers: ClinVar variation 67175 (VCV000067175.3), dbSNP rs199472896, ClinGen allele CA004365.